The following is an entry in ClinVar:

ClinVar aggregate classification (germline): Uncertain significance (1 of 4 stars; one submission).

Submission:

Ambry Genetics
Classification: Uncertain significance. Last evaluated: 2022-07-19. Review status: criteria provided, single submitter. Criteria: Ambry Variant Classification Scheme 2023. Collection method: clinical testing. Allele origin: germline.
Comment: The p.L723R variant (also known as c.2168T>G), located in coding exon 14 of the POLQ gene, results from a T to G substitution at nucleotide position 2168. The leucine at codon 723 is replaced by arginine, an amino acid with dissimilar properties. This amino acid position is conserved. In addition, this alteration is predicted to be deleterious by in silico analysis. Since supporting evidence is limited at this time, the clinical significance of this alteration remains unclear.

NM_199420.4(POLQ):c.2168T>G (p.Leu723Arg)

Gene: POLQ (DNA polymerase theta; minus strand). Cytogenetic location: 3q13.33.
Variant type: single nucleotide variant.
Coding change: c.2168T>G on transcript NM_199420.4 (MANE Select); coding-DNA position 2168, T replaced by G.
Protein change: p.Leu723Arg; replaces leucine 723 with arginine.
Molecular consequence: missense variant.
Genome position (GRCh38, 1-based): chr3:121,496,918, A>C on the plus strand (T>G on the coding strand, the complement: POLQ is on the minus strand). VCF-style: chr3-121496918-A-C. GRCh37 (hg19) VCF-style: chr3-121215765-A-C.
Other names: short protein forms L723R.
Identifiers: ClinVar variation 1787020 (VCV001787020.2), dbSNP rs2546793739, ClinGen allele CA354109396.